The following is an entry in ClinVar:

NM_003743.5(NCOA1):c.202A>C (p.Lys68Gln)

Gene: NCOA1 (nuclear receptor coactivator 1; plus strand). Cytogenetic location: 2p23.3.
Variant type: single nucleotide variant.
Coding change: c.202A>C on transcript NM_003743.5 (MANE Select); coding-DNA position 202, A replaced by C.
Protein change: p.Lys68Gln; replaces lysine 68 with glutamine.
Molecular consequence: missense variant.
Genome position (GRCh38, 1-based): chr2:24,665,861, A>C. VCF-style: chr2-24665861-A-C. GRCh37 (hg19) VCF-style: chr2-24888730-A-C.
Other names: c.202A>C, p.Lys68Gln (NM_001362950.1, NM_001362952.1, NM_001362954.1 and 3 more transcripts); short protein forms K68Q.
Identifiers: ClinVar variation 3358140 (VCV003358140.1).

ClinVar aggregate classification (germline): Uncertain significance (0 of 4 stars; one submission).

Conditions:
NCOA1-related disorder. Also called: NCOA1-related condition.

gnomAD v4.1: 3 of 1,600,606 alleles (0.00019%); highest among the groups gnomAD compares: Non-Finnish European, 0.00026%; no homozygotes.

Submission:

PreventionGenetics, part of Exact Sciences
Classification: Uncertain significance for NCOA1-related condition. Last evaluated: 2023-12-30. Review status: no assertion criteria provided. Collection method: clinical testing. Allele origin: germline.
Comment: The NCOA1 c.202A>C variant is predicted to result in the amino acid substitution p.Lys68Gln. To our knowledge, this variant has not been reported in the literature. This variant is reported in 0.00090% of alleles in individuals of European (Non-Finnish) descent in gnomAD. At this time, the clinical significance of this variant is uncertain due to the absence of conclusive functional and genetic evidence.